The following is an entry in ClinVar:

NM_020433.5(JPH2):c.829G>T (p.Ala277Ser)

Gene: JPH2 (junctophilin 2; minus strand). Cytogenetic location: 20q13.12.
Variant type: single nucleotide variant.
Coding change: c.829G>T on transcript NM_020433.5 (MANE Select); coding-DNA position 829, G replaced by T.
Protein change: p.Ala277Ser; replaces alanine 277 with serine.
Molecular consequence: missense variant.
Genome position (GRCh38, 1-based): chr20:44,159,958, C>A on the plus strand (G>T on the coding strand, the complement: JPH2 is on the minus strand). VCF-style: chr20-44159958-C-A. GRCh37 (hg19) VCF-style: chr20-42788598-C-A.
Other names: short protein forms A277S.
Identifiers: ClinVar variation 1056674 (VCV001056674.13), dbSNP rs368516996, ClinGen allele CA9868806.

ClinVar aggregate classification (germline): Conflicting classifications of pathogenicity. Review status: criteria provided, conflicting classifications (1 of 4 stars). 5 submissions from 5 submitters: Uncertain significance (4); Likely benign (1). Last evaluated 2026-04-07.

Conditions:
Hypertrophic cardiomyopathy 17. Identifiers: MedGen C3151264, MONDO:0013474, OMIM 613873.
Cardiomyopathy, dilated, 2E. Identifiers: MedGen C5561970, MONDO:0030366, OMIM 619492.
JPH2-related disorder. Also called: JPH2-related condition.
Hypertrophic cardiomyopathy. Also called: HYPERTROPHIC MYOCARDIOPATHY. Identifiers: Orphanet 217569, MedGen C0007194, MeSH D002312, MONDO:0005045, HP:0001639.
Cardiovascular phenotype. Identifiers: MedGen CN230736.

Allele frequency attached by ClinVar (database versions not stated): gnomAD exomes 0.00001; TOPMed 0.00003; ExAC 0.00004; ESP Exome Variant Server 0.00008; gnomAD 0.00008.
gnomAD v4.1: 19 of 1,600,606 alleles (0.0012%); highest among the groups gnomAD compares: African/African-American, 0.019%; no homozygotes.

Submissions (5):

PreventionGenetics, part of Exact Sciences
Classification: Uncertain significance for JPH2-related condition. Last evaluated: 2026-04-07. Review status: criteria provided, single submitter. Criteria: ACMG Guidelines, 2015. Collection method: clinical testing. Allele origin: germline.
Comment: The JPH2 c.829G>T variant is predicted to result in the amino acid substitution p.Ala277Ser. This variant has been reported in a pediatric individual with dilated cardiomyopathy who also carried a pathogenic MYH7 variant (Table S1, Jiang et al. 2025. PubMed ID: 41341110).This variant is reported in 0.026% of alleles in individuals of African descent in gnomAD. At this time, the clinical significance of this variant is uncertain due to the absence of conclusive functional and genetic evidence.

Ambry Genetics
Classification: Likely benign for Cardiovascular phenotype. Last evaluated: 2026-02-06. Review status: criteria provided, single submitter. Criteria: Ambry Variant Classification Scheme 2023. Collection method: clinical testing. Allele origin: germline.

Labcorp Genetics (formerly Invitae), Labcorp
Classification: Uncertain significance for Hypertrophic cardiomyopathy. Last evaluated: 2026-01-06. Review status: criteria provided, single submitter. Criteria: Invitae Variant Classification Sherloc (09022015). Collection method: clinical testing. Allele origin: germline.
Comment: This sequence change replaces alanine, which is neutral and non-polar, with serine, which is neutral and polar, at codon 277 of the JPH2 protein (p.Ala277Ser). This variant is present in population databases (rs368516996, gnomAD 0.03%). This variant has not been reported in the literature in individuals affected with JPH2-related conditions. ClinVar contains an entry for this variant (Variation ID: 1056674). An algorithm developed to predict the effect of missense changes on protein structure and function (PolyPhen-2) suggests that this variant is likely to be tolerated. In summary, the available evidence is currently insufficient to determine the role of this variant in disease. Therefore, it has been classified as a Variant of Uncertain Significance.

Women's Health and Genetics/Laboratory Corporation of America, LabCorp
Classification: Uncertain significance. Last evaluated: 2025-07-14. Review status: criteria provided, single submitter. Criteria: LabCorp Variant Classification Summary - May 2015. Collection method: clinical testing. Allele origin: germline.
Comment: Variant summary: JPH2 c.829G>T (p.Ala277Ser) results in a conservative amino acid change in the encoded protein sequence. Algorithms developed to predict the effect of missense changes on protein structure and function all suggest that this variant is likely to be tolerated. The variant allele was found at a frequency of 1.3e-05 in 226258 control chromosomes. The available data on variant occurrences in the general population are insufficient to allow any conclusion about variant significance. To our knowledge, no occurrence of c.829G>T in individuals affected with Cardiomyopathy and no experimental evidence demonstrating its impact on protein function have been reported. ClinVar contains an entry for this variant (Variation ID: 1056674). Based on the evidence outlined above, the variant was classified as uncertain significance.

Fulgent Genetics
Classification: Uncertain significance for Hypertrophic cardiomyopathy 17; Cardiomyopathy, dilated, 2E. Last evaluated: 2021-09-24. Review status: criteria provided, single submitter. Criteria: ACMG Guidelines, 2015. Collection method: clinical testing. Allele origin: unknown.